The following is an entry in ClinVar:

NM_001754.5(RUNX1):c.699C>T (p.Arg233=)

Gene: RUNX1 (RUNX family transcription factor 1; minus strand). Cytogenetic location: 21q22.12.
Variant type: single nucleotide variant.
Coding change: c.699C>T on transcript NM_001754.5 (MANE Select); coding-DNA position 699, C replaced by T.
Protein change: p.Arg233=; no amino-acid change (arginine 233 retained).
Molecular consequence: synonymous variant.
Genome position (GRCh38, 1-based): chr21:34,834,516, G>A on the plus strand (C>T on the coding strand, the complement: RUNX1 is on the minus strand). VCF-style: chr21-34834516-G-A. GRCh37 (hg19) VCF-style: chr21-36206813-G-A.
Other names: NM_001754.5(RUNX1):c.699C>T; p.Arg233=; c.618C>T, p.Arg206= (NM_001001890.3, NM_001122607.2).
Identifiers: ClinVar variation 1096297 (VCV001096297.10), dbSNP rs2146076038, ClinGen allele CA512318624.

ClinVar aggregate classification (germline): Likely benign. Review status: reviewed by expert panel (3 of 4 stars). 2 submissions from 2 submitters: Likely benign (1). 1 of the submissions does not count toward it. Last evaluated 2022-06-30.

Conditions:
Hereditary thrombocytopenia and hematologic cancer predisposition syndrome. Identifiers: Orphanet 71290, MedGen CN281654, MONDO:0011071.
Hereditary thrombocytopenia and hematological cancer predisposition syndrome associated with RUNX1. Also called: PLATELET DISORDER, ASPIRIN-LIKE; RUNX1 Familial Platelet Disorder with Associated Myeloid Malignancies; Familial Platelet Disorder with Propensity to Acute Myelogenous Leukemia; Familial thrombocytopenia with propensity to acute myelogenous leukemia. Identifiers: Orphanet 71290, MedGen C1832388, MeSH C563324, MONDO:0100083, OMIM 601399.

Submissions (2):

ClinGen Myeloid Malignancy Variant Curation Expert Panel
Classification: Likely benign for Hereditary thrombocytopenia and hematologic cancer predisposition syndrome. Last evaluated: 2022-06-30. Review status: reviewed by expert panel. Criteria: ClinGen MyeloMalig ACMG Specifications v2. Collection method: curation. Allele origin: germline. Inheritance: Autosomal dominant inheritance.
Comment: The c.699C>T (p.Arg233=) variant is a synonymous variant that is not predicted by SpliceAI to impact splicing (BP4). In addition, an evolutionary conservation algorithm predicts the site as being non-conserved (PhyloP score = -0.0383071 in GRCh38), and the variant is the reference nucleotide in one primate and/or three mammal species. Although the variant is absent from gnomAD v2 and v3 (PM2_Supporting), it has not been reported in cases or the literature. In summary, this variant meets the criteria to be classified as likely benign for hereditary thrombocytopenia and hematologic cancer predisposition syndrome based on the ACMG/AMP criteria applied, as specified by the ClinGen Myeloid Malignancy VCEP: BP4, BP7, and PM2_Supporting.

Labcorp Genetics (formerly Invitae), Labcorp
Classification: Likely benign for Hereditary thrombocytopenia and hematological cancer predisposition syndrome associated with RUNX1. Last evaluated: 2020-08-20. Review status: criteria provided, single submitter. Criteria: Invitae Variant Classification Sherloc (09022015). Collection method: clinical testing. Allele origin: germline. Not counted in ClinVar's aggregate classification.